The following is an entry in ClinVar:

NM_033026.6(PCLO):c.8555C>T (p.Pro2852Leu)

Gene: PCLO (piccolo presynaptic cytomatrix protein; minus strand). Cytogenetic location: 7q21.11.
Variant type: single nucleotide variant.
Coding change: c.8555C>T on transcript NM_033026.6 (MANE Select); coding-DNA position 8555, C replaced by T.
Protein change: p.Pro2852Leu; replaces proline 2852 with leucine.
Molecular consequence: missense variant.
Genome position (GRCh38, 1-based): chr7:82,952,398, G>A on the plus strand (C>T on the coding strand, the complement: PCLO is on the minus strand). VCF-style: chr7-82952398-G-A. GRCh37 (hg19) VCF-style: chr7-82581714-G-A.
Other names: c.8555C>T, p.Pro2852Leu (NM_014510.3); short protein forms P2852L.
Identifiers: ClinVar variation 1938616 (VCV001938616.5), dbSNP rs1271288757, ClinGen allele CA367910838.

ClinVar aggregate classification (germline): Uncertain significance (1 of 4 stars; one submission).

Allele frequency attached by ClinVar (database versions not stated): gnomAD exomes below 0.00001; TOPMed below 0.00001; gnomAD 0.00001.
gnomAD v4.1: 2 of 1,613,718 alleles (0.00012%); highest among the groups gnomAD compares: Admixed American, 0.0017%; no homozygotes.

Submission:

Labcorp Genetics (formerly Invitae), Labcorp
Classification: Uncertain significance. Last evaluated: 2021-12-22. Review status: criteria provided, single submitter. Criteria: Invitae Variant Classification Sherloc (09022015). Collection method: clinical testing. Allele origin: germline.
Comment: In summary, the available evidence is currently insufficient to determine the role of this variant in disease. Therefore, it has been classified as a Variant of Uncertain Significance. Algorithms developed to predict the effect of missense changes on protein structure and function are either unavailable or do not agree on the potential impact of this missense change (SIFT: "Deleterious"; PolyPhen-2: "Not Available"; Align-GVGD: "Class C0"). This variant has not been reported in the literature in individuals affected with PCLO-related conditions. This variant is not present in population databases (gnomAD no frequency). This sequence change replaces proline, which is neutral and non-polar, with leucine, which is neutral and non-polar, at codon 2852 of the PCLO protein (p.Pro2852Leu).